The following is an entry in ClinVar:

NM_001256545.2(MEGF10):c.268C>A (p.Arg90Ser)

Gene: MEGF10 (multiple EGF like domains 10; plus strand). Cytogenetic location: 5q23.2.
Variant type: single nucleotide variant.
Coding change: c.268C>A on transcript NM_001256545.2 (MANE Select); coding-DNA position 268, C replaced by A.
Protein change: p.Arg90Ser; replaces arginine 90 with serine.
Molecular consequence: missense variant.
Genome position (GRCh38, 1-based): chr5:127,340,579, C>A. VCF-style: chr5-127340579-C-A. GRCh37 (hg19) VCF-style: chr5-126676271-C-A.
Other names: c.268C>A, p.Arg90Ser (NM_001308119.2, NM_001308121.2, NM_032446.3); short protein forms R90S.
Identifiers: ClinVar variation 2039628 (VCV002039628.1), dbSNP rs1173217783, ClinGen allele CA360822937.

ClinVar aggregate classification (germline): Uncertain significance (1 of 4 stars; one submission).

Conditions:
MEGF10-related myopathy (CMYO10A). Also called: Congenital myopathy 10A, severe variant. Identifiers: Orphanet 439212, MedGen C3280679, MONDO:0013731, OMIM 614399.

Allele frequency attached by ClinVar (database versions not stated): gnomAD 0.00006.
gnomAD v4.1: 47 of 1,612,776 alleles (0.0029%); highest among the groups gnomAD compares: Non-Finnish European, 0.0039%; no homozygotes.

Submission:

Labcorp Genetics (formerly Invitae), Labcorp
Classification: Uncertain significance for MEGF10-related myopathy. Last evaluated: 2022-06-02. Review status: criteria provided, single submitter. Criteria: Invitae Variant Classification Sherloc (09022015). Collection method: clinical testing. Allele origin: germline.
Comment: This sequence change replaces arginine, which is basic and polar, with serine, which is neutral and polar, at codon 90 of the MEGF10 protein (p.Arg90Ser). This variant is present in population databases (no rsID available, gnomAD 0.002%). This variant has not been reported in the literature in individuals affected with MEGF10-related conditions. Algorithms developed to predict the effect of missense changes on protein structure and function are either unavailable or do not agree on the potential impact of this missense change (SIFT: "Deleterious"; PolyPhen-2: "Probably Damaging"; Align-GVGD: "Class C0"). In summary, the available evidence is currently insufficient to determine the role of this variant in disease. Therefore, it has been classified as a Variant of Uncertain Significance.